The following is an entry in ClinVar:

NM_006218.4(PIK3CA):c.2251T>C (p.Phe751Leu)

Gene: PIK3CA (phosphatidylinositol-4,5-bisphosphate 3-kinase catalytic subunit alpha; plus strand). Cytogenetic location: 3q26.32.
Variant type: single nucleotide variant.
Coding change: c.2251T>C on transcript NM_006218.4 (MANE Select); coding-DNA position 2251, T replaced by C.
Protein change: p.Phe751Leu; replaces phenylalanine 751 with leucine.
Molecular consequence: missense variant.
Genome position (GRCh38, 1-based): chr3:179,224,144, T>C. VCF-style: chr3-179224144-T-C. GRCh37 (hg19) VCF-style: chr3-178941932-T-C.
Other names: short protein forms F751L.
Identifiers: ClinVar variation 1788446 (VCV001788446.2), dbSNP rs2108416843, ClinGen allele CA355270727.

ClinVar aggregate classification (germline): Uncertain significance (1 of 4 stars; one submission).

Conditions:
Inborn genetic diseases. Identifiers: MedGen C0950123, MeSH D030342.

Allele frequency attached by ClinVar (database versions not stated): gnomAD exomes below 0.00001.
gnomAD v4.1: 2 of 1,601,856 alleles (0.00012%); highest among the groups gnomAD compares: Non-Finnish European, 0.00017%; no homozygotes.

Submission:

Ambry Genetics
Classification: Uncertain significance for Inborn genetic diseases. Last evaluated: 2023-10-10. Review status: criteria provided, single submitter. Criteria: Ambry Variant Classification Scheme 2023. Collection method: clinical testing. Allele origin: germline.
Comment: The p.F751L variant (also known as c.2251T>C), located in coding exon 14 of the PIK3CA gene, results from a T to C substitution at nucleotide position 2251. The phenylalanine at codon 751 is replaced by leucine, an amino acid with highly similar properties. This amino acid position is conserved. In addition, this alteration is predicted to be deleterious by in silico analysis. Since supporting evidence is limited at this time, the clinical significance of this alteration remains unclear.